The following is an entry in ClinVar:

NM_144997.7(FLCN):c.1626C>A (p.Ser542=)

Gene: FLCN (folliculin; minus strand). Cytogenetic location: 17p11.2.
Variant type: single nucleotide variant.
Coding change: c.1626C>A on transcript NM_144997.7 (MANE Select); coding-DNA position 1626, C replaced by A.
Protein change: p.Ser542=; no amino-acid change (serine 542 retained).
Molecular consequence: synonymous variant.
Genome position (GRCh38, 1-based): chr17:17,213,769, G>T on the plus strand (C>A on the coding strand, the complement: FLCN is on the minus strand). VCF-style: chr17-17213769-G-T. GRCh37 (hg19) VCF-style: chr17-17117083-G-T.
Other names: c.1680C>A, p.Ser560= (NM_001353229.2); c.1626C>A, p.Ser542= (NM_001353230.2, NM_001353231.2).
Identifiers: ClinVar variation 3773146 (VCV003773146.1).

ClinVar aggregate classification (germline): Benign (1 of 4 stars; one submission).

Conditions:
Birt-Hogg-Dube syndrome 1 (BHD1). Also called: FIBROFOLLICULOMAS WITH TRICHODISCOMAS AND ACROCHORDONS. Identifiers: Orphanet 122, MedGen CN375946, MONDO:0800445, OMIM 135150.

Submission:

Myriad Genetics, Inc.
Classification: Benign for Birt-Hogg-Dube syndrome 1. Last evaluated: 2024-10-28. Review status: criteria provided, single submitter. Criteria: Myriad Autosomal Dominant, Autosomal Recessive and X-Linked Classification Criteria (2023). Collection method: clinical testing. Allele origin: unknown.
Comment: This variant is considered benign. This variant is a silent/synonymous amino acid change and it is not expected to impact splicing.